The following is an entry in ClinVar:

NM_006172.4(NPPA):c.94G>A (p.Val32Met)

Genes: NPPA (natriuretic peptide A; minus strand), NPPA-AS1 (NPPA antisense RNA 1; plus strand), LOC114827827 (VISTA enhancer hs2123; plus strand). Cytogenetic location: 1p36.22.
Variant type: single nucleotide variant.
Coding change: c.94G>A on transcript NM_006172.4 (MANE Select); coding-DNA position 94, G replaced by A.
Protein change: p.Val32Met; replaces valine 32 with methionine.
Molecular consequence: missense variant. On other transcripts: non-coding transcript variant (1).
Genome position (GRCh38, 1-based): chr1:11,847,591, C>T on the plus strand (G>A on the coding strand, the complement: NPPA is on the minus strand). VCF-style: chr1-11847591-C-T. GRCh37 (hg19) VCF-style: chr1-11907648-C-T.
Other names: short protein forms V32M.
Identifiers: ClinVar variation 1169995 (VCV001169995.12), dbSNP rs5063, ClinGen allele CA597109.
Genomic context (GRCh38, chr1:11,847,591, plus strand): 5'-CCCCAGACTGCACCCGCTTTCCTGGCCCTACCTTGAAATCCATCAGGTCTGCGTTGGACA[C>T]GGCATTGTACATGGGATTAGCTCTGGTCTGACCTAGGAGCTGGAATGCCAGTAAAAGGAG-3'
Protein context (NP_006163.1, residues 22-42): QTRANPMYNA[Val32Met]SNADLMDFKN

ClinVar aggregate classification (germline): Benign. Review status: criteria provided, multiple submitters, no conflicts (2 of 4 stars). 3 submissions from 3 submitters: Benign (3). Last evaluated 2026-02-04.

Conditions:
Atrial fibrillation, familial, 6 (ATFB6). Identifiers: MedGen C2677294, MONDO:0012816, OMIM 612201.

Allele frequency attached by ClinVar (database versions not stated): gnomAD 0.05144 and 0.05404; ESP Exome Variant Server 0.05159; TOPMed 0.05354; gnomAD exomes 0.05369 and 0.05586; ExAC 0.05618; 1000 Genomes Project 30x 0.07167; 1000 Genomes Project 0.07348.

Submissions (3):

Labcorp Genetics (formerly Invitae), Labcorp
Classification: Benign for Atrial fibrillation, familial, 6. Last evaluated: 2026-02-04. Review status: criteria provided, single submitter. Criteria: Invitae Variant Classification Sherloc (09022015). Collection method: clinical testing. Allele origin: germline.

GeneDx
Classification: Benign. Last evaluated: 2019-07-30. Review status: criteria provided, single submitter. Criteria: GeneDx Variant Classification Process June 2021. Collection method: clinical testing. Allele origin: germline. Affected: yes.
Comment: This variant is associated with the following publications: (PMID: 16368448, 25854761, 17984371, 20543198, 20064500)

Breakthrough Genomics
Classification: Benign. Review status: criteria provided, single submitter. Criteria: ACMG Guidelines, 2015. Collection method: not provided. Allele origin: germline. Inheritance: Autosomal recessive inheritance. Affected: yes.